The following is an entry in ClinVar:

NM_001164508.2(NEB):c.23869_23870delinsTA (p.Pro7957Ter)

Genes: NEB (nebulin; minus strand), RIF1 (replication timing regulatory factor 1; plus strand). Cytogenetic location: 2q23.3.
Variant type: Indel.
Coding change: c.23869_23870delinsTA on transcript NM_001164508.2 (MANE Select); coding-DNA positions 23869 to 23870, CC replaced by TA.
Protein change: p.Pro7957Ter; replaces proline 7957 with a stop codon.
Molecular consequence: nonsense.
Genome position (GRCh38, 1-based): chr2:151,502,851-151,502,852, GG replaced by TA on the plus strand (CC replaced by TA on the coding strand, the reverse complement: NEB is on the minus strand). VCF-style: chr2-151502851-GG-TA. GRCh37 (hg19) VCF-style: chr2-152359365-GG-TA.
Other names: c.23869_23870delinsTA, p.Pro7957Ter (NM_001164507.2); c.23974_23975delCCinsTA, p.Pro7992Ter (NM_001271208.1); c.23974_23975delinsTA, p.Pro7992Ter (NM_001271208.2); c.18766_18767delinsTA, p.Pro6256Ter (NM_004543.5); c.23974_23975delinsTA (NM_001271208.1); short protein forms P6256*, P7992*, P7957*.
Identifiers: ClinVar variation 2718322 (VCV002718322.4), dbSNP rs2551935931, ClinGen allele CA2697551072.

ClinVar aggregate classification (germline): Pathogenic/Likely pathogenic. Review status: criteria provided, multiple submitters, no conflicts (2 of 4 stars). 2 submissions from 2 submitters: Pathogenic (1); Likely pathogenic (1). Last evaluated 2025-10-14.

Conditions:
Nemaline myopathy 2 (NEM2). Also called: Nemaline myopathy 2, autosomal recessive. Identifiers: MedGen C1850569, MONDO:0009725, OMIM 256030.

Submissions (2):

Natera, Inc.
Classification: Likely pathogenic for Nemaline myopathy type 2. Last evaluated: 2025-10-14. Review status: criteria provided, single submitter. Criteria: Natera Variant Classification Schema (03/2026). Collection method: clinical testing. Allele origin: germline.
Comment: The c.23974_23975delinsTA variant in NEB is a deletion-insertion (delins) variant predicted to replace one or more nucleotides with a different sequence. This variant is expected to result in nonsense mediated decay, truncation, or a dysfunctional protein product. This variant is rare in the general population with a frequency below the threshold expected for the associated phenotype(s). Given the available evidence, this variant is classified as Likely Pathogenic.

Labcorp Genetics (formerly Invitae), Labcorp
Classification: Pathogenic for Nemaline myopathy 2. Last evaluated: 2023-06-17. Review status: criteria provided, single submitter. Criteria: Invitae Variant Classification Sherloc (09022015). Collection method: clinical testing. Allele origin: germline.
Comment: This sequence change creates a premature translational stop signal (p.Pro7992*) in the NEB gene. It is expected to result in an absent or disrupted protein product. Loss-of-function variants in NEB are known to be pathogenic (PMID: 25205138). Information on the frequency of this variant in the gnomAD database is not available, as this variant may be reported differently in the database. This variant has not been reported in the literature in individuals affected with NEB-related conditions. For these reasons, this variant has been classified as Pathogenic.

Literature cited by the submitters: PubMed 25205138 (cited by Labcorp Genetics (formerly Invitae), Labcorp).